The following is an entry in ClinVar:

ClinVar aggregate classification (germline): Likely benign (1 of 4 stars; one submission).

Submission:

CeGaT Center for Human Genetics Tuebingen
Classification: Likely benign. Last evaluated: 2025-02-01. Review status: criteria provided, single submitter. Criteria: CeGaT Center For Human Genetics Tuebingen Variant Classification Criteria Version 2. Collection method: clinical testing. Allele origin: germline. Affected: yes. Observed: 1 variant allele.
Comment: PRAM1: BP4, BP7

NM_032152.5(PRAM1):c.177C>T (p.Ala59=)

Gene: PRAM1 (PML-RARA regulated adaptor molecule 1; minus strand). Cytogenetic location: 19p13.2.
Variant type: single nucleotide variant.
Coding change: c.177C>T on transcript NM_032152.5 (MANE Select); coding-DNA position 177, C replaced by T.
Protein change: p.Ala59=; no amino-acid change (alanine 59 retained).
Molecular consequence: synonymous variant.
Genome position (GRCh38, 1-based): chr19:8,499,631, G>A on the plus strand (C>T on the coding strand, the complement: PRAM1 is on the minus strand). VCF-style: chr19-8499631-G-A. GRCh37 (hg19) VCF-style: chr19-8564515-G-A.
Identifiers: ClinVar variation 3771044 (VCV003771044.13).